The following is an entry in ClinVar:

ClinVar aggregate classification (germline): Uncertain significance (1 of 4 stars; one submission).

gnomAD v4.1: 21 of 1,613,834 alleles (0.0013%); highest among the groups gnomAD compares: East Asian, 0.0022%; no homozygotes.

Submission:

Ambry Genetics
Classification: Uncertain significance. Last evaluated: 2025-02-25. Review status: criteria provided, single submitter. Criteria: Ambry Variant Classification Scheme 2023. Collection method: clinical testing. Allele origin: germline.
Comment: The c.703G>A (p.E235K) alteration is located in exon (coding exon ) of the SH3RF3 gene. This alteration results from a G to A substitution at nucleotide position 703, causing the glutamic acid (E) at amino acid position 235 to be replaced by a lysine (K). Based on insufficient or conflicting evidence, the clinical significance of this alteration remains unclear.

NM_001099289.3(SH3RF3):c.703G>A (p.Glu235Lys)

Genes: RANBP2 (RAN binding protein 2; plus strand), SH3RF3 (SH3 domain containing ring finger 3; plus strand). Cytogenetic location: 2q13.
Variant type: single nucleotide variant.
Coding change: c.703G>A on transcript NM_001099289.3 (MANE Select); coding-DNA position 703, G replaced by A.
Protein change: p.Glu235Lys; replaces glutamic acid 235 with lysine.
Molecular consequence: missense variant.
Genome position (GRCh38, 1-based): chr2:109,347,803, G>A. VCF-style: chr2-109347803-G-A. GRCh37 (hg19) VCF-style: chr2-109964259-G-A.
Other names: short protein forms E235K.
Identifiers: ClinVar variation 3795451 (VCV003795451.1).